The following is an entry in ClinVar:

ClinVar aggregate classification (germline): Benign/Likely benign. Review status: criteria provided, single submitter (1 of 4 stars). 2 submissions from 1 submitter: Benign (1); Likely benign (1). Last evaluated 2018-01-13.

Conditions:
Dilated cardiomyopathy 1U. Identifiers: Orphanet 154, MedGen C3160720, MONDO:0013371, OMIM 613694.
Alzheimer disease 3 (AD3). Also called: ALZHEIMER DISEASE, FAMILIAL, 3. Identifiers: Orphanet 1020, MedGen C1843013, MONDO:0011913, OMIM 607822.

Allele frequency attached by ClinVar (database versions not stated): gnomAD 0.01510 and 0.01606; TOPMed 0.01710; 1000 Genomes Project 0.02276; 1000 Genomes Project 30x 0.02389.

Submissions (2):

Illumina Laboratory Services, Illumina
Classification: Benign for Alzheimer disease 3. Last evaluated: 2018-01-13. Review status: criteria provided, single submitter. Criteria: ICSL Variant Classification Criteria 13 December 2019. Collection method: clinical testing. Allele origin: germline.
Comment: This variant was observed in the ICSL laboratory as part of a predisposition screen in an ostensibly healthy population. It had not been previously curated by ICSL or reported in the Human Gene Mutation Database (HGMD: prior to June 1st, 2018), and was therefore a candidate for classification through an automated scoring system. Utilizing variant allele frequency, disease prevalence and penetrance estimates, and inheritance mode, an automated score was calculated to assess if this variant is too frequent to cause the disease. Based on the score and internal cut-off values, a variant classified as benign is not then subjected to further curation. The score for this variant resulted in a classification of benign for this disease.

Illumina Laboratory Services, Illumina
Classification: Likely benign for Dilated cardiomyopathy 1U. Last evaluated: 2018-01-13. Review status: criteria provided, single submitter. Criteria: ICSL Variant Classification Criteria 13 December 2019. Collection method: clinical testing. Allele origin: germline.
Comment: This variant was observed in the ICSL laboratory as part of a predisposition screen in an ostensibly healthy population. It had not been previously curated by ICSL or reported in the Human Gene Mutation Database (HGMD: prior to June 1st, 2018), and was therefore a candidate for classification through an automated scoring system. Utilizing variant allele frequency, disease prevalence and penetrance estimates, and inheritance mode, an automated score was calculated to assess if this variant is too frequent to cause the disease. Based on the score and internal cut-off values, a variant classified as likely benign is not then subjected to further curation. The score for this variant resulted in a classification of likely benign for this disease.

NM_000021.4(PSEN1):c.*3637C>T

Gene: PSEN1 (presenilin 1; plus strand). Cytogenetic location: 14q24.2.
Variant type: single nucleotide variant.
Coding change: c.*3637C>T on transcript NM_000021.4 (MANE Select); 3637 bases downstream of the stop codon, C replaced by T.
Molecular consequence: 3 prime UTR variant.
Genome position (GRCh38, 1-based): chr14:73,222,926, C>T. VCF-style: chr14-73222926-C-T. GRCh37 (hg19) VCF-style: chr14-73689634-C-T.
Other names: c.*3637C>T (NM_007318.3).
Identifiers: ClinVar variation 313999 (VCV000313999.5), dbSNP rs114000457, ClinGen allele CA10640769.